The following is an entry in ClinVar:

ClinVar aggregate classification (germline): Pathogenic. Review status: criteria provided, multiple submitters, no conflicts (2 of 4 stars). 2 submissions from 2 submitters: Pathogenic (2). Last evaluated 2025-03-17.

Conditions:
Mucolipidosis type II. Also called: ML II ALPHA/BETA; Mucolipidosis 2; ML 2; Inclusion cell disease; Leroy Disease; N-acetylglucosamine 1phosphotransferase deficiency. Identifiers: Orphanet 576, MedGen C2673377, MONDO:0009650, OMIM 252500.
Pseudo-Hurler polydystrophy. Also called: ML III; ML III ALPHA/BETA; Type III Mucolipidosis; ML IIIA; Mucolipidosis III Alpha/Beta; MUCOLIPIDOSIS IIIA. Identifiers: Orphanet 423461, Orphanet 577, MedGen C0033788, MONDO:0018931, OMIM 252600.

Submissions (2):

Natera, Inc.
Classification: Pathogenic for Mucolipidosis type II. Last evaluated: 2025-03-17. Review status: criteria provided, single submitter. Criteria: Natera Variant Classification Schema (03/2026). Collection method: clinical testing. Allele origin: germline.
Comment: The c.835G>T variant in GNPTAB is a nonsense variant predicted to introduce a stop codon at amino acid 279. This variant is expected to result in nonsense mediated decay, truncation, or a dysfunctional protein product. This variant is rare in the general population with a frequency below the threshold expected for the associated phenotype(s). This variant has been observed in one or more individuals affected with the associated recessive disease, as either homozygous or compound heterozygous with a second variant (PMID: 29872134). Given the available evidence, this variant is classified as Pathogenic.

Labcorp Genetics (formerly Invitae), Labcorp
Classification: Pathogenic for Pseudo-Hurler polydystrophy; Mucolipidosis type II. Last evaluated: 2023-06-04. Review status: criteria provided, single submitter. Criteria: Invitae Variant Classification Sherloc (09022015). Collection method: clinical testing. Allele origin: germline.
Comment: This sequence change creates a premature translational stop signal (p.Glu279*) in the GNPTAB gene. It is expected to result in an absent or disrupted protein product. Loss-of-function variants in GNPTAB are known to be pathogenic (PMID: 19617216, 25107912). This variant is not present in population databases (gnomAD no frequency). Algorithms developed to predict the effect of sequence changes on RNA splicing suggest that this variant may disrupt the consensus splice site. For these reasons, this variant has been classified as Pathogenic. This premature translational stop signal has been observed in individual(s) with mucolipidosis (PMID: 24798265).

Literature cited by the submitters: PubMed 29872134 (cited by Natera, Inc.); PubMed 19617216 (cited by Labcorp Genetics (formerly Invitae), Labcorp); PubMed 25107912 (cited by Labcorp Genetics (formerly Invitae), Labcorp); PubMed 24798265 (cited by Labcorp Genetics (formerly Invitae), Labcorp).

NM_024312.5(GNPTAB):c.835G>T (p.Glu279Ter)

Gene: GNPTAB (N-acetylglucosamine-1-phosphate transferase subunits alpha and beta; minus strand). Cytogenetic location: 12q23.2.
Variant type: single nucleotide variant.
Coding change: c.835G>T on transcript NM_024312.5 (MANE Select); coding-DNA position 835, G replaced by T.
Protein change: p.Glu279Ter; replaces glutamic acid 279 with a stop codon.
Molecular consequence: nonsense.
Genome position (GRCh38, 1-based): chr12:101,771,094, C>A on the plus strand (G>T on the coding strand, the complement: GNPTAB is on the minus strand). VCF-style: chr12-101771094-C-A. GRCh37 (hg19) VCF-style: chr12-102164872-C-A.
Other names: c.835G>T (NM_024312.4); short protein forms E279*.
Identifiers: ClinVar variation 2925504 (VCV002925504.5), dbSNP rs2547961923, ClinGen allele CA386303638.